The following is an entry in ClinVar:

NM_000152.5(GAA):c.995C>T (p.Ser332Leu)

Gene: GAA (alpha glucosidase; plus strand). Cytogenetic location: 17q25.3.
Variant type: single nucleotide variant.
Coding change: c.995C>T on transcript NM_000152.5 (MANE Select); coding-DNA position 995, C replaced by T.
Protein change: p.Ser332Leu; replaces serine 332 with leucine.
Molecular consequence: missense variant.
Genome position (GRCh38, 1-based): chr17:80,108,329, C>T. VCF-style: chr17-80108329-C-T. GRCh37 (hg19) VCF-style: chr17-78082128-C-T.
Other names: c.995C>T, p.Ser332Leu (NM_001079803.3, NM_001079804.3); short protein forms S332L.
Identifiers: ClinVar variation 1413723 (VCV001413723.5), dbSNP rs757608620, ClinGen allele CA8815125.
Genomic context (GRCh38, chr17:80,108,329, plus strand): 5'-CCAGAGCTGCTTCCCTTCCAGATGTGGTCCTGCAGCCGAGCCCTGCCCTTAGCTGGAGGT[C>T]GACAGGTGGGATCCTGGATGTCTACATCTTCCTGGGCCCAGAGCCCAAGAGCGTGGTGCA-3'
Protein context (NP_000143.2, residues 322-342): LQPSPALSWR[Ser332Leu]TGGILDVYIF

ClinVar aggregate classification (germline): Uncertain significance (1 of 4 stars; one submission).

Conditions:
Glycogen storage disease, type II (IOPD). Also called: Glycogen storage disease type 2; Acid maltase deficiency disease; Aglucosidase alfa; Deficiency of alpha-glucosidase; Deficiency of lysosomal alpha-glucosidase; CARDIOMEGALIA GLYCOGENICA DIFFUSA. Identifiers: Orphanet 365, MedGen C0017921, MONDO:0009290, OMIM 232300.

Allele frequency attached by ClinVar (database versions not stated): gnomAD 0.00001; TOPMed 0.00001; ExAC 0.00002; gnomAD exomes 0.00004 and 0.00005.
gnomAD v4.1: 28 of 1,613,578 alleles (0.0017%); highest among the groups gnomAD compares: South Asian, 0.016%; no homozygotes.

Submission:

Labcorp Genetics (formerly Invitae), Labcorp
Classification: Uncertain significance for Glycogen storage disease, type II. Last evaluated: 2022-10-18. Review status: criteria provided, single submitter. Criteria: Invitae Variant Classification Sherloc (09022015). Collection method: clinical testing. Allele origin: germline.
Comment: This sequence change replaces serine, which is neutral and polar, with leucine, which is neutral and non-polar, at codon 332 of the GAA protein (p.Ser332Leu). This variant is present in population databases (rs757608620, gnomAD 0.02%). This variant has not been reported in the literature in individuals affected with GAA-related conditions. ClinVar contains an entry for this variant (Variation ID: 1413723). Advanced modeling of protein sequence and biophysical properties (such as structural, functional, and spatial information, amino acid conservation, physicochemical variation, residue mobility, and thermodynamic stability) has been performed at Invitae for this missense variant, however the output from this modeling did not meet the statistical confidence thresholds required to predict the impact of this variant on GAA protein function. In summary, the available evidence is currently insufficient to determine the role of this variant in disease. Therefore, it has been classified as a Variant of Uncertain Significance.